The following is an entry in ClinVar:

NM_032043.3(BRIP1):c.1816A>G (p.Lys606Glu)

Gene: BRIP1 (BRCA1 interacting DNA helicase 1; minus strand). Cytogenetic location: 17q23.2.
Variant type: single nucleotide variant.
Coding change: c.1816A>G on transcript NM_032043.3 (MANE Select); coding-DNA position 1816, A replaced by G.
Protein change: p.Lys606Glu; replaces lysine 606 with glutamic acid.
Molecular consequence: missense variant.
Genome position (GRCh38, 1-based): chr17:61,780,380, T>C on the plus strand (A>G on the coding strand, the complement: BRIP1 is on the minus strand). VCF-style: chr17-61780380-T-C. GRCh37 (hg19) VCF-style: chr17-59857741-T-C.
Other names: short protein forms K606E.
Identifiers: ClinVar variation 3482477 (VCV003482477.1).
Genomic context (GRCh38, chr17:61,780,380, plus strand): 5'-CTGACGAAAAGGATTTCATTGGTGATAATGTACCAGATGTCAAAACAATGGTCTGAACTT[T>C]GCCATTAATATCTGAAAAGGCCTAAAAGAAAACAACATTAGATAAATAAAATTATCTTTA-3'
Protein context (NP_114432.2, residues 596-616): PAVAFSDING[Lys606Glu]VQTIVLTSGT

ClinVar aggregate classification (germline): Uncertain significance (1 of 4 stars; one submission).

Conditions:
Hereditary cancer-predisposing syndrome. Also called: Tumor predisposition; Neoplastic Syndromes, Hereditary; Hereditary Cancer Syndrome; Hereditary neoplastic syndrome. Identifiers: Orphanet 140162, MedGen C0027672, MeSH D009386, MONDO:0015356.

Submission:

Ambry Genetics
Classification: Uncertain significance for Hereditary cancer-predisposing syndrome. Last evaluated: 2024-11-17. Review status: criteria provided, single submitter. Criteria: Ambry Variant Classification Scheme 2023. Collection method: clinical testing. Allele origin: germline.
Comment: The p.K606E variant (also known as c.1816A>G), located in coding exon 12 of the BRIP1 gene, results from an A to G substitution at nucleotide position 1816. The lysine at codon 606 is replaced by glutamic acid, an amino acid with similar properties. This amino acid position is conserved. In addition, this alteration is predicted to be tolerated by in silico analysis. Based on the available evidence, the clinical significance of this variant remains unclear.